The following is an entry in ClinVar:

ClinVar aggregate classification (germline): Uncertain significance (1 of 4 stars; one submission).

Conditions:
Norman-Roberts syndrome (LIS2). Also called: Lissencephaly 2 (Norman-Roberts type). Identifiers: Orphanet 89844, MedGen C0796089, MONDO:0009760, OMIM 257320.
Familial temporal lobe epilepsy 7. Identifiers: Orphanet 101046, MedGen C4225327, MONDO:0014639, OMIM 616436.

Submission:

Labcorp Genetics (formerly Invitae), Labcorp
Classification: Uncertain significance for Familial temporal lobe epilepsy 7; Norman-Roberts syndrome. Last evaluated: 2022-10-17. Review status: criteria provided, single submitter. Criteria: Invitae Variant Classification Sherloc (09022015). Collection method: clinical testing. Allele origin: germline.
Comment: Advanced modeling of protein sequence and biophysical properties (such as structural, functional, and spatial information, amino acid conservation, physicochemical variation, residue mobility, and thermodynamic stability) performed at Invitae indicates that this missense variant is not expected to disrupt RELN protein function. In summary, the available evidence is currently insufficient to determine the role of this variant in disease. Therefore, it has been classified as a Variant of Uncertain Significance. This variant has not been reported in the literature in individuals affected with RELN-related conditions. This sequence change replaces phenylalanine, which is neutral and non-polar, with leucine, which is neutral and non-polar, at codon 3174 of the RELN protein (p.Phe3174Leu). This variant is not present in population databases (gnomAD no frequency).

NM_005045.4(RELN):c.9520T>C (p.Phe3174Leu)

Genes: SLC26A5-AS1 (SLC26A5 antisense RNA 1; plus strand), RELN (reelin; minus strand), LOC126860130 (BRD4-independent group 4 enhancer GRCh37_chr7:103130126-103131325; plus strand). Cytogenetic location: 7q22.1.
Variant type: single nucleotide variant.
Coding change: c.9520T>C on transcript NM_005045.4 (MANE Select); coding-DNA position 9520, T replaced by C.
Protein change: p.Phe3174Leu; replaces phenylalanine 3174 with leucine.
Molecular consequence: missense variant.
Genome position (GRCh38, 1-based): chr7:103,490,753, A>G on the plus strand (T>C on the coding strand, the complement: RELN is on the minus strand). VCF-style: chr7-103490753-A-G. GRCh37 (hg19) VCF-style: chr7-103131200-A-G.
Other names: c.9520T>C, p.Phe3174Leu (NM_173054.3); short protein forms F3174L.
Identifiers: ClinVar variation 1965463 (VCV001965463.5), dbSNP rs2485717405, ClinGen allele CA368745367.